The following is an entry in ClinVar:

NM_000298.6(PKLR):c.721G>T (p.Glu241Ter)

Gene: PKLR (pyruvate kinase L/R; minus strand). Cytogenetic location: 1q22.
Variant type: single nucleotide variant.
Coding change: c.721G>T on transcript NM_000298.6 (MANE Select); coding-DNA position 721, G replaced by T.
Protein change: p.Glu241Ter; replaces glutamic acid 241 with a stop codon.
Molecular consequence: nonsense.
Genome position (GRCh38, 1-based): chr1:155,294,726, C>A on the plus strand (G>T on the coding strand, the complement: PKLR is on the minus strand). VCF-style: chr1-155294726-C-A. GRCh37 (hg19) VCF-style: chr1-155264517-C-A.
Other names: c.628G>T, p.Glu210Ter (NM_181871.4); c.721G>T, p.Glu241Ter (LRG_1136t1); short protein forms E241*, E210*.
Identifiers: ClinVar variation 280113 (VCV000280113.38), dbSNP rs201953584, ClinGen allele CA1144229.
Genomic context (GRCh38, chr1:155,294,726, plus strand): 5'-AGTCCACCTGGGCCCCTGGCAAGTTCACGCCCTTCCGGCTGCCCAGGACGCCGCCGTTCT[C>A]CACTTGGGTCACCAGTCCCTCTGGGCCTGCGGACATGGAAAGAGCCAGCTGCGGTCAGGG-3'

ClinVar aggregate classification (germline): Pathogenic. Review status: criteria provided, multiple submitters, no conflicts (2 of 4 stars). 10 submissions from 10 submitters: Pathogenic (10). Last evaluated 2026-09-25.

Conditions:
PKLR-related disorder. Also called: PKLR-related condition.
Pyruvate kinase deficiency of red cells (CNSHA2). Also called: PK DEFICIENCY; PYRUVATE KINASE DEFICIENCY OF ERYTHROCYTE; Pyruvate kinase deficiency, Amish type. Identifiers: Orphanet 766, MedGen C0340968, MONDO:0009950, OMIM 266200.
Pyruvate kinase hyperactivity. Identifiers: MedGen C1863224, MONDO:0007067, OMIM 102900.

Allele frequency attached by ClinVar (database versions not stated): TOPMed 0.00003; gnomAD exomes 0.00005 and 0.00010; gnomAD 0.00002 and 0.00003; ExAC 0.00003.

Submissions (10):

PreventionGenetics, part of Exact Sciences
Classification: Pathogenic for PKLR-related condition. Last evaluated: 2026-09-25. Review status: criteria provided, single submitter. Criteria: ACMG Guidelines, 2015. Collection method: clinical testing. Allele origin: germline.
Comment: The PKLR c.721G>T variant is predicted to result in premature protein termination (p.Glu241*). This variant has been reported in both homozygous and heterozygous states in individuals with pyruvate kinase deficiency (see, for example: Baronciani and Beutler. 1993. PubMed ID: 8483951; Voit et al. 2020. PubMed ID: 32761227; Christensen et al. 2016. PubMed ID: 27354418; Percy et al. 2007. PubMed ID: 17574881). It is reported in 0.0095% of alleles in individuals of European (non-Finnish) descent in gnomAD. Nonsense variants in PKLR are known to be pathogenic. Taken together, this variant is interpreted as pathogenic.

Labcorp Genetics (formerly Invitae), Labcorp
Classification: Pathogenic. Last evaluated: 2025-11-03. Review status: criteria provided, single submitter. Criteria: Invitae Variant Classification Sherloc (09022015). Collection method: clinical testing. Allele origin: germline.
Comment: This sequence change creates a premature translational stop signal (p.Glu241*) in the PKLR gene. It is expected to result in an absent or disrupted protein product. Loss-of-function variants in PKLR are known to be pathogenic (PMID: 15953013, 26832193). This variant is present in population databases (rs201953584, gnomAD 0.01%). This premature translational stop signal has been observed in individual(s) with pyruvate kinase deficiency (PMID: 8483951, 27354418). ClinVar contains an entry for this variant (Variation ID: 280113). For these reasons, this variant has been classified as Pathogenic.

Mayo Clinic Laboratories, Mayo Clinic
Classification: Pathogenic. Last evaluated: 2025-03-25. Review status: criteria provided, single submitter. Criteria: ACMG Guidelines, 2015. Collection method: clinical testing. Allele origin: germline. Observed: 3 variant alleles.
Comment: PP4, PM3, PVS1

GeneDx
Classification: Pathogenic. Last evaluated: 2025-01-30. Review status: criteria provided, single submitter. Criteria: GeneDx Variant Classification Process June 2021. Collection method: clinical testing. Allele origin: germline. Affected: yes.
Comment: Nonsense variant predicted to result in protein truncation or nonsense mediated decay in a gene for which loss-of-function is a known mechanism of disease; This variant is associated with the following publications: (PMID: 8483951, 15953013, 17574881, 26046366, 9160692, 11328279, 28133914, 26459649, 19758413, 24762414, 7948315, 29519373, 32761227, 31589614, 16704447, 27354418, 7706479)

Blueprint Genetics
Classification: Pathogenic for PKLR-related disorders. Last evaluated: 2024-04-30. Review status: criteria provided, single submitter. Criteria: ACMG Guidelines, 2015. Collection method: clinical testing. Allele origin: germline. Affected: yes. Observed: 5 variant alleles.

Revvity Omics, Revvity
Classification: Pathogenic. Last evaluated: 2024-01-23. Review status: criteria provided, single submitter. Criteria: ACMG Guidelines, 2015. Collection method: clinical testing. Allele origin: germline.

Fulgent Genetics
Classification: Pathogenic for Pyruvate kinase hyperactivity; Pyruvate kinase deficiency of red cells. Last evaluated: 2022-04-21. Review status: criteria provided, single submitter. Criteria: ACMG Guidelines, 2015. Collection method: clinical testing. Allele origin: unknown.

ARUP Laboratories, Molecular Genetics and Genomics, ARUP Laboratories
Classification: Pathogenic. Last evaluated: 2022-04-07. Review status: criteria provided, single submitter. Criteria: ARUP Molecular Germline Variant Investigation Process 2021. Collection method: clinical testing. Allele origin: germline.
Comment: The PKLR c.721G>T; p.Glu241Ter variant (rs201953584) is reported in the literature in at least 11 individuals affected with PK deficiency (Baronciani 1993, Baronciani 1995, Christensen 2016, Lakomek 1994, Percy 2007, Pissard 2006, Svidnicki 2018, Zarza 1998). This variant is also reported in ClinVar (Variation ID: 280113). This variant is found in the non-Finnish European population with an allele frequency of 0.009% (12/126,486 alleles) in the Genome Aggregation Database. This variant induces an early termination codon and is predicted to result in a truncated protein or mRNA subject to nonsense-mediated decay. Based on available information, this variant is considered to be pathogenic.

Illumina Laboratory Services, Illumina
Classification: Pathogenic for Pyruvate kinase deficiency of red cells. Last evaluated: 2017-04-27. Review status: criteria provided, single submitter. Criteria: ICSL Variant Classification Criteria 09 May 2019. Collection method: clinical testing. Allele origin: germline.
Comment: The PKLR c.721G>T (p.Glu241Ter) variant is a stop-gained variant that is predicted to result in premature termination of the protein. The p.Glu241Ter variant has been reported in five studies in which it has been identified in a total of 15 individuals with pyruvate kinase deficiency, including in one in a homozygous state, in 12 in a compound heterozygous state, and in two in a heterozygous state in whom a second variant was not identified (Lakomek et al. 1994; Baronciani et al. 1995; Zarza et al. 1998; Pissard et al. 2006; Percy et al. 2007). Control data are unavailable for this variant, which is reported at a frequency of 0.00005 in the European (non-Finnish) population of the Exome Aggregation Consortium. Based on the collective evidence, the p.Glu241Ter variant is classified as pathogenic for pyruvate kinase deficiency. This variant was observed by ICSL as part of a predisposition screen in an ostensibly healthy population.

Clinical Genetics Service, Universitary Hospital 12 de Octubre
Classification: Pathogenic for Pyruvate kinase deficiency of red cells. Review status: criteria provided, single submitter. Criteria: ACMG Guidelines, 2015. Collection method: clinical testing. Allele origin: germline. Affected: yes.

Literature cited by the submitters: PubMed 15953013 (cited by Labcorp Genetics (formerly Invitae), Labcorp); PubMed 26832193 (cited by Labcorp Genetics (formerly Invitae), Labcorp); PubMed 8483951 (cited by Labcorp Genetics (formerly Invitae), Labcorp); PubMed 27354418 (cited by Labcorp Genetics (formerly Invitae), Labcorp); PubMed 16704447 (cited by Mayo Clinic Laboratories, Mayo Clinic and Illumina Laboratory Services, Illumina); PubMed 17574881 (cited by Mayo Clinic Laboratories, Mayo Clinic and Illumina Laboratory Services, Illumina); PubMed 28133914 (cited by Mayo Clinic Laboratories, Mayo Clinic); PubMed 29519373 (cited by Mayo Clinic Laboratories, Mayo Clinic); PubMed 7706479 (cited by Mayo Clinic Laboratories, Mayo Clinic and Illumina Laboratory Services, Illumina); PubMed 9827908 (cited by Mayo Clinic Laboratories, Mayo Clinic and Illumina Laboratory Services, Illumina); PubMed 7948315 (cited by Illumina Laboratory Services, Illumina).